The following is an entry in ClinVar:

ClinVar aggregate classification (germline): Conflicting classifications of pathogenicity. Review status: criteria provided, conflicting classifications (1 of 4 stars). 5 submissions from 5 submitters: Uncertain significance (3); Benign (1). 1 of the submissions does not count toward it. Last evaluated 2026-02-26.

Conditions:
Charlevoix-Saguenay spastic ataxia (SACS). Also called: Spastic ataxia of Charlevoix-Saguenay; SPASTIC ATAXIA 6, AUTOSOMAL RECESSIVE; AUTOSOMAL RECESSIVE SPASTIC ATAXIA OF CHARLEVOIX-SAGUENAY. Identifiers: Orphanet 98, MedGen C1849140, MONDO:0010041, OMIM 270550.
SACS-related disorder. Also called: SACS-related condition.
Spastic paraplegia. Identifiers: MedGen C0037772, HP:0001258.

Allele frequency attached by ClinVar (database versions not stated): ExAC 0.00003; gnomAD exomes 0.00003; gnomAD 0.00009 and 0.00011; TOPMed 0.00012; ESP Exome Variant Server 0.00015.
gnomAD v4.1: 49 of 1,613,726 alleles (0.003%); highest among the groups gnomAD compares: African/African-American, 0.052%; no homozygotes.

Submissions (5):

PreventionGenetics, part of Exact Sciences
Classification: Uncertain significance for SACS-related condition. Last evaluated: 2026-02-26. Review status: criteria provided, single submitter. Criteria: ACMG Guidelines, 2015. Collection method: clinical testing. Allele origin: germline.
Comment: The SACS c.10076C>T variant is predicted to result in the amino acid substitution p.Thr3359Ile. To our knowledge, this variant has not been reported in the literature. This variant is reported in 0.032% of alleles in individuals of African descent in gnomAD. At this time, the clinical significance of this variant is uncertain due to the absence of conclusive functional and genetic evidence.

Labcorp Genetics (formerly Invitae), Labcorp
Classification: Benign for Spastic paraplegia. Last evaluated: 2024-09-16. Review status: criteria provided, single submitter. Criteria: Invitae Variant Classification Sherloc (09022015). Collection method: clinical testing. Allele origin: germline.

Genome-Nilou Lab
Classification: Uncertain significance for Charlevoix-Saguenay spastic ataxia. Last evaluated: 2021-09-05. Review status: criteria provided, single submitter. Criteria: ACMG Guidelines, 2015. Collection method: clinical testing. Allele origin: germline. Affected: no.

Baylor Genetics
Classification: Uncertain significance for Charlevoix-Saguenay spastic ataxia. Last evaluated: 2020-02-27. Review status: criteria provided, single submitter. Criteria: ACMG Guidelines, 2015. Collection method: clinical testing. Allele origin: unknown. Affected: yes.
Comment: This variant was determined to be of uncertain significance according to ACMG Guidelines, 2015 [PMID:25741868].

Natera, Inc.
Classification: Uncertain significance for Charlevoix-Saguenay type spastic ataxia. Last evaluated: 2020-01-19. Review status: no assertion criteria provided. Collection method: clinical testing. Allele origin: germline. Not counted in ClinVar's aggregate classification.

NM_014363.6(SACS):c.10076C>T (p.Thr3359Ile)

Gene: SACS (sacsin molecular chaperone; minus strand). Cytogenetic location: 13q12.12.
Variant type: single nucleotide variant.
Coding change: c.10076C>T on transcript NM_014363.6 (MANE Select); coding-DNA position 10076, C replaced by T.
Protein change: p.Thr3359Ile; replaces threonine 3359 with isoleucine.
Molecular consequence: missense variant.
Genome position (GRCh38, 1-based): chr13:23,333,800, G>A on the plus strand (C>T on the coding strand, the complement: SACS is on the minus strand). VCF-style: chr13-23333800-G-A. GRCh37 (hg19) VCF-style: chr13-23907939-G-A.
Other names: c.9635C>T, p.Thr3212Ile (NM_001278055.2); short protein forms T3212I, T3359I.
Identifiers: ClinVar variation 970885 (VCV000970885.13), dbSNP rs368089670, ClinGen allele CA6910510.